The following is an entry in ClinVar:

ClinVar aggregate classification (germline): Uncertain significance (1 of 4 stars; one submission).

Conditions:
Immunodeficiency. Identifiers: MedGen C0021051, MONDO:0021094, HP:0002721.

gnomAD v4.1: 2 of 1,614,020 alleles (0.00012%); highest among the groups gnomAD compares: Admixed American, 0.0033%; no homozygotes.

Submission:

Labcorp Genetics (formerly Invitae), Labcorp
Classification: Uncertain significance for Immunodeficiency. Last evaluated: 2025-11-25. Review status: criteria provided, single submitter. Criteria: Invitae Variant Classification Sherloc (09022015). Collection method: clinical testing. Allele origin: germline.
Comment: This sequence change replaces threonine, which is neutral and polar, with serine, which is neutral and polar, at codon 604 of the NFAT5 protein (p.Thr604Ser). This variant is not present in population databases (gnomAD no frequency). This variant has not been reported in the literature in individuals affected with NFAT5-related conditions. ClinVar contains an entry for this variant (Variation ID: 3709512). An algorithm developed to predict the effect of missense changes on protein structure and function (PolyPhen-2) suggests that this variant is likely to be tolerated. In summary, the available evidence is currently insufficient to determine the role of this variant in disease. Therefore, it has been classified as a Variant of Uncertain Significance.

NM_138713.4(NFAT5):c.2092A>T (p.Thr698Ser)

Gene: NFAT5 (nuclear factor of activated T cells 5; plus strand). Cytogenetic location: 16q22.1.
Variant type: single nucleotide variant.
Coding change: c.2092A>T on transcript NM_138713.4 (MANE Select); coding-DNA position 2092, A replaced by T.
Protein change: p.Thr698Ser; replaces threonine 698 with serine.
Molecular consequence: missense variant.
Genome position (GRCh38, 1-based): chr16:69,691,917, A>T. VCF-style: chr16-69691917-A-T. GRCh37 (hg19) VCF-style: chr16-69725820-A-T.
Other names: c.2089A>T, p.Thr697Ser (NM_001113178.3); c.1417A>T, p.Thr473Ser (NM_001367709.1); c.2038A>T, p.Thr680Ser (NM_006599.4); c.1810A>T, p.Thr604Ser (NM_138714.4, NM_173214.3, NM_173215.3); short protein forms T473S, T697S, T698S, T604S, T680S.
Identifiers: ClinVar variation 3709512 (VCV003709512.2).